The following is an entry in ClinVar:

ClinVar aggregate classification (germline): Uncertain significance (1 of 4 stars; one submission).

Conditions:
Cardiovascular phenotype. Identifiers: MedGen CN230736.

Allele frequency attached by ClinVar (database versions not stated): TOPMed below 0.00001; 1000 Genomes Project 30x 0.00016; gnomAD 0.00001.

Submission:

Ambry Genetics
Classification: Uncertain significance for Cardiovascular phenotype. Last evaluated: 2026-07-26. Review status: criteria provided, single submitter. Criteria: Ambry Variant Classification Scheme 2023. Collection method: clinical testing. Allele origin: germline.
Comment: The p.P29L variant (also known as c.86C>T), located in coding exon 1 of the FOXE3 gene, results from a C to T substitution at nucleotide position 86. The proline at codon 29 is replaced by leucine, an amino acid with similar properties. This amino acid position is conserved. In addition, this alteration is predicted to be tolerated by in silico analysis. Based on the available evidence, the clinical significance of this variant remains unclear.

NM_012186.3(FOXE3):c.86C>T (p.Pro29Leu)

Genes: FOXE3 (forkhead box E3; plus strand), LINC01389 (long independently transcribed non-coding RNA 1389; minus strand). Cytogenetic location: 1p33.
Variant type: single nucleotide variant.
Coding change: c.86C>T on transcript NM_012186.3 (MANE Select); coding-DNA position 86, C replaced by T.
Protein change: p.Pro29Leu; replaces proline 29 with leucine.
Molecular consequence: missense variant.
Genome position (GRCh38, 1-based): chr1:47,416,401, C>T. VCF-style: chr1-47416401-C-T. GRCh37 (hg19) VCF-style: chr1-47882073-C-T.
Other names: short protein forms P29L.
Identifiers: ClinVar variation 2347412 (VCV002347412.3), dbSNP rs1220178110, ClinGen allele CA340249006.